The following is an entry in ClinVar:

ClinVar aggregate classification (germline): Pathogenic (1 of 4 stars; one submission).

Conditions:
Early-infantile DEE. Also called: Early infantile epileptic encephalopathy; Ohtahara syndrome; Early infantile epileptic encephalopathy with suppression bursts. Identifiers: Orphanet 1934, MedGen C0393706, MONDO:0800491.

Submission:

Labcorp Genetics (formerly Invitae), Labcorp
Classification: Pathogenic for Early-infantile DEE. Last evaluated: 2024-02-03. Review status: criteria provided, single submitter. Criteria: Invitae Variant Classification Sherloc (09022015). Collection method: clinical testing. Allele origin: germline.
Comment: This sequence change creates a premature translational stop signal (p.Tyr141*) in the KCNQ2 gene. It is expected to result in an absent or disrupted protein product. Loss-of-function variants in KCNQ2 are known to be pathogenic (PMID: 14534157, 23692823, 27779742). This variant is not present in population databases (gnomAD no frequency). This variant has not been reported in the literature in individuals affected with KCNQ2-related conditions. For these reasons, this variant has been classified as Pathogenic.

Literature cited by the submitters: PubMed 14534157; PubMed 23692823; PubMed 27779742.

NM_172107.4(KCNQ2):c.423C>G (p.Tyr141Ter)

Gene: KCNQ2 (potassium voltage-gated channel subfamily Q member 2; minus strand). Cytogenetic location: 20q13.33.
Variant type: single nucleotide variant.
Coding change: c.423C>G on transcript NM_172107.4 (MANE Select); coding-DNA position 423, C replaced by G.
Protein change: p.Tyr141Ter; replaces tyrosine 141 with a stop codon.
Molecular consequence: nonsense.
Genome position (GRCh38, 1-based): chr20:63,445,329, G>C on the plus strand (C>G on the coding strand, the complement: KCNQ2 is on the minus strand). VCF-style: chr20-63445329-G-C. GRCh37 (hg19) VCF-style: chr20-62076682-G-C.
Other names: c.423C>G, p.Tyr141Ter (NM_001382235.1, NM_004518.6, NM_172106.3 and 2 more transcripts); short protein forms Y141*.
Identifiers: ClinVar variation 3636760 (VCV003636760.2).